The following is an entry in ClinVar:

NM_004527.4(MEOX1):c.503G>A (p.Ser168Asn)

Gene: MEOX1 (mesenchyme homeobox 1; minus strand). Cytogenetic location: 17q21.31.
Variant type: single nucleotide variant.
Coding change: c.503G>A on transcript NM_004527.4 (MANE Select); coding-DNA position 503, G replaced by A.
Protein change: p.Ser168Asn; replaces serine 168 with asparagine.
Molecular consequence: missense variant. On other transcripts: intron variant (1).
Genome position (GRCh38, 1-based): chr17:43,643,627, C>T on the plus strand (G>A on the coding strand, the complement: MEOX1 is on the minus strand). VCF-style: chr17-43643627-C-T. GRCh37 (hg19) VCF-style: chr17-41720995-C-T.
Other names: c.470-1595G>A (NM_013999.4); c.158G>A, p.Ser53Asn (NM_001040002.2); c.503G>A (NM_004527.3); short protein forms S168N, S53N.
Identifiers: ClinVar variation 1473745 (VCV001473745.9), dbSNP rs150013758, ClinGen allele CA8592604.

ClinVar aggregate classification (germline): Uncertain significance. Review status: criteria provided, multiple submitters, no conflicts (2 of 4 stars). 3 submissions from 3 submitters: Uncertain significance (3). Last evaluated 2026-01-27.

Conditions:
Inborn genetic diseases. Identifiers: MedGen C0950123, MeSH D030342.
MEOX1-related disorder. Also called: MEOX1-related condition.

Allele frequency attached by ClinVar (database versions not stated): gnomAD exomes 0.00002 and 0.00004; TOPMed 0.00002; ExAC 0.00004; ESP Exome Variant Server 0.00008.

Submissions (3):

PreventionGenetics, part of Exact Sciences
Classification: Uncertain significance for MEOX1-related condition. Last evaluated: 2026-01-27. Review status: criteria provided, single submitter. Criteria: ACMG Guidelines, 2015. Collection method: clinical testing. Allele origin: germline.
Comment: The MEOX1 c.503G>A variant is predicted to result in the amino acid substitution p.Ser168Asn. To our knowledge, this variant has not been reported in the literature. This variant is reported in 0.032% of alleles in individuals of Latino descent in gnomAD. At this time, the clinical significance of this variant is uncertain due to the absence of conclusive functional and genetic evidence.

Ambry Genetics
Classification: Uncertain significance for Inborn genetic diseases. Last evaluated: 2024-12-04. Review status: criteria provided, single submitter. Criteria: Ambry Variant Classification Scheme 2023. Collection method: clinical testing. Allele origin: germline.

Labcorp Genetics (formerly Invitae), Labcorp
Classification: Uncertain significance. Last evaluated: 2024-06-26. Review status: criteria provided, single submitter. Criteria: Invitae Variant Classification Sherloc (09022015). Collection method: clinical testing. Allele origin: germline.
Comment: This sequence change replaces serine, which is neutral and polar, with asparagine, which is neutral and polar, at codon 168 of the MEOX1 protein (p.Ser168Asn). This variant is present in population databases (rs150013758, gnomAD 0.03%). This variant has not been reported in the literature in individuals affected with MEOX1-related conditions. ClinVar contains an entry for this variant (Variation ID: 1473745). An algorithm developed to predict the effect of missense changes on protein structure and function (PolyPhen-2) suggests that this variant¬†is likely to be tolerated. In summary, the available evidence is currently insufficient to determine the role of this variant in disease. Therefore, it has been classified as a Variant of Uncertain Significance.